The following is an entry in ClinVar:

NM_000719.7(CACNA1C):c.275A>C (p.Gln92Pro)

Gene: CACNA1C (calcium voltage-gated channel subunit alpha1 C; plus strand). Cytogenetic location: 12p13.33.
Variant type: single nucleotide variant.
Coding change: c.275A>C on transcript NM_000719.7 (MANE Select); coding-DNA position 275, A replaced by C.
Protein change: p.Gln92Pro; replaces glutamine 92 with proline.
Molecular consequence: missense variant.
Genome position (GRCh38, 1-based): chr12:2,115,449, A>C. VCF-style: chr12-2115449-A-C. GRCh37 (hg19) VCF-style: chr12-2224615-A-C.
Other names: c.275A>C, p.Gln92Pro (NM_001129827.2, NM_001129829.2, NM_001129830.3 and 19 more transcripts); short protein forms Q92P.
Identifiers: ClinVar variation 656558 (VCV000656558.13), dbSNP rs766650940, ClinGen allele CA6388415.
Genomic context (GRCh38, chr12:2,115,449, plus strand): 5'-CCATCTCCACAGTCAGCTCCACGCAGCGGAAGCGGCAGCAATATGGGAAACCCAAGAAGC[A>C]GGGCAGCACCACGGCCACACGCCCGCCCCGAGCCCTGCTCTGCCTGACCCTGAAGAACCC-3'
Protein context (NP_000710.5, residues 82-102): KRQQYGKPKK[Gln92Pro]GSTTATRPPR

ClinVar aggregate classification (germline): Uncertain significance. Review status: criteria provided, multiple submitters, no conflicts (2 of 4 stars). 3 submissions from 3 submitters: Uncertain significance (3). Last evaluated 2025-10-13.

Conditions:
Long QT syndrome (LQTS). Identifiers: MedGen C0023976, MeSH D008133, MONDO:0002442. Disease mechanism: loss of function. Inheritance: Various modes of inheritance.

Allele frequency attached by ClinVar (database versions not stated): ExAC 0.00001; gnomAD exomes 0.00001; TOPMed 0.00001.

Submissions (3):

Labcorp Genetics (formerly Invitae), Labcorp
Classification: Uncertain significance for Long QT syndrome. Last evaluated: 2025-10-13. Review status: criteria provided, single submitter. Criteria: Invitae Variant Classification Sherloc (09022015). Collection method: clinical testing. Allele origin: germline.
Comment: This sequence change replaces glutamine, which is neutral and polar, with proline, which is neutral and non-polar, at codon 92 of the CACNA1C protein (p.Gln92Pro). This variant is present in population databases (rs766650940, gnomAD 0.009%). This variant has not been reported in the literature in individuals affected with CACNA1C-related conditions. ClinVar contains an entry for this variant (Variation ID: 656558). Invitae Evidence Modeling of protein sequence and biophysical properties (such as structural, functional, and spatial information, amino acid conservation, physicochemical variation, residue mobility, and thermodynamic stability) indicates that this missense variant is not expected to disrupt CACNA1C protein function with a negative predictive value of 80%. In summary, the available evidence is currently insufficient to determine the role of this variant in disease. Therefore, it has been classified as a Variant of Uncertain Significance.

GeneDx
Classification: Uncertain significance. Last evaluated: 2025-06-01. Review status: criteria provided, single submitter. Criteria: GeneDx Variant Classification Process June 2021. Collection method: clinical testing. Allele origin: germline. Affected: yes.
Comment: Not observed at significant frequency in large population cohorts (gnomAD); In silico analysis supports that this missense variant has a deleterious effect on protein structure/function; Has not been previously published as pathogenic or benign to our knowledge

Women's Health and Genetics/Laboratory Corporation of America, LabCorp
Classification: Uncertain significance. Last evaluated: 2024-08-27. Review status: criteria provided, single submitter. Criteria: LabCorp Variant Classification Summary - May 2015. Collection method: clinical testing. Allele origin: germline.
Comment: Variant summary: CACNA1C c.275A>C (p.Gln92Pro) results in a non-conservative amino acid change in the encoded protein sequence. Three of five in-silico tools predict a benign effect of the variant on protein function. The variant allele was found at a frequency of 1.2e-05 in 247558 control chromosomes. The available data on variant occurrences in the general population are insufficient to allow any conclusion about variant significance. To our knowledge, no occurrence of c.275A>C in individuals affected with Timothy Syndrome and no experimental evidence demonstrating its impact on protein function have been reported. ClinVar contains an entry for this variant (Variation ID: 656558). Based on the evidence outlined above, the variant was classified as uncertain significance.